The following is an entry in ClinVar:

NM_001611.5(ACP5):c.372_373insC (p.Lys125fs)

Gene: ACP5 (acid phosphatase 5, tartrate resistant; minus strand). Cytogenetic location: 19p13.2.
Variant type: Insertion.
Coding change: c.372_373insC on transcript NM_001611.5 (MANE Select); coding-DNA positions 372 to 373, C inserted.
Protein change: p.Lys125fs; shifts the reading frame from lysine 125.
Molecular consequence: frameshift variant.
Genome position: GRCh38 VCF-style: chr19-11576732-T-TG. GRCh37 (hg19) VCF-style: chr19-11687547-T-TG.
Other names: c.372_373insC, p.Lys125fs (NM_001111034.3, NM_001111035.3, NM_001111036.3 and 1 more transcripts); short protein forms K125fs.
Identifiers: ClinVar variation 2980611 (VCV002980611.3), dbSNP rs2512728377, ClinGen allele CA2576631561.

ClinVar aggregate classification (germline): Pathogenic (1 of 4 stars; one submission).

Conditions:
Spondyloenchondrodysplasia with immune dysregulation (SPENCDI). Also called: SPONDYLOENCHONDRODYSPLASIA WITH OR WITHOUT IMMUNE DYSREGULATION; ROIFMAN IMMUNOSKELETAL SYNDROME; COMBINED IMMUNODEFICIENCY WITH AUTOIMMUNITY AND SPONDYLOMETAPHYSEAL DYSPLASIA. Identifiers: Orphanet 1855, MedGen C1842763, MONDO:0011939, OMIM 607944.

Submission:

Labcorp Genetics (formerly Invitae), Labcorp
Classification: Pathogenic for Spondyloenchondrodysplasia with immune dysregulation. Last evaluated: 2024-11-04. Review status: criteria provided, single submitter. Criteria: Invitae Variant Classification Sherloc (09022015). Collection method: clinical testing. Allele origin: germline.
Comment: This sequence change creates a premature translational stop signal (p.Lys125Glnfs*42) in the ACP5 gene. It is expected to result in an absent or disrupted protein product. Loss-of-function variants in ACP5 are known to be pathogenic (PMID: 21217752, 21217755). This variant is not present in population databases (gnomAD no frequency). This variant has not been reported in the literature in individuals affected with ACP5-related conditions. ClinVar contains an entry for this variant (Variation ID: 2980611). For these reasons, this variant has been classified as Pathogenic.

Literature cited by the submitters: PubMed 21217752; PubMed 21217755.